The following is an entry in ClinVar:

ClinVar aggregate classification (germline): Uncertain significance (1 of 4 stars; one submission).

Allele frequency attached by ClinVar (database versions not stated): TOPMed 0.00001; gnomAD exomes 0.00002; gnomAD 0.00003.
gnomAD v4.1: 24 of 1,535,222 alleles (0.0016%); highest among the groups gnomAD compares: East Asian, 0.015%; no homozygotes.

Submission:

Labcorp Genetics (formerly Invitae), Labcorp
Classification: Uncertain significance. Last evaluated: 2022-05-27. Review status: criteria provided, single submitter. Criteria: Invitae Variant Classification Sherloc (09022015). Collection method: clinical testing. Allele origin: germline.
Comment: In summary, the available evidence is currently insufficient to determine the role of this variant in disease. Therefore, it has been classified as a Variant of Uncertain Significance. Algorithms developed to predict the effect of missense changes on protein structure and function output the following: SIFT: "Tolerated"; PolyPhen-2: "Not Available"; Align-GVGD: "Class C0". The serine amino acid residue is found in multiple mammalian species, which suggests that this missense change does not adversely affect protein function. This variant has not been reported in the literature in individuals affected with PDZD7-related conditions. This variant is present in population databases (no rsID available, gnomAD 0.006%). This sequence change replaces asparagine, which is neutral and polar, with serine, which is neutral and polar, at codon 809 of the PDZD7 protein (p.Asn809Ser).

NM_001195263.2(PDZD7):c.2426A>G (p.Asn809Ser)

Gene: PDZD7 (PDZ domain containing 7; minus strand). Cytogenetic location: 10q24.31.
Variant type: single nucleotide variant.
Coding change: c.2426A>G on transcript NM_001195263.2 (MANE Select); coding-DNA position 2426, A replaced by G.
Protein change: p.Asn809Ser; replaces asparagine 809 with serine.
Molecular consequence: missense variant.
Genome position (GRCh38, 1-based): chr10:101,010,463, T>C on the plus strand (A>G on the coding strand, the complement: PDZD7 is on the minus strand). VCF-style: chr10-101010463-T-C. GRCh37 (hg19) VCF-style: chr10-102770220-T-C.
Other names: short protein forms N809S.
Identifiers: ClinVar variation 2176657 (VCV002176657.4), dbSNP rs1353638544, ClinGen allele CA378224233.